The following is an entry in ClinVar:

NM_000187.4(HGD):c.774+69C>T

Gene: HGD (homogentisate 1,2-dioxygenase; minus strand). Cytogenetic location: 3q13.33.
Variant type: single nucleotide variant.
Coding change: c.774+69C>T on transcript NM_000187.4 (MANE Select); 69 bases into the intron after coding-DNA position 774, C replaced by T.
Molecular consequence: intron variant.
Genome position (GRCh38, 1-based): chr3:120,644,250, G>A on the plus strand (C>T on the coding strand, the complement: HGD is on the minus strand). VCF-style: chr3-120644250-G-A. GRCh37 (hg19) VCF-style: chr3-120363097-G-A.
Identifiers: ClinVar variation 4086089 (VCV004086089.2), dbSNP rs1399212408.
Genomic context (GRCh38, chr3:120,644,250, plus strand): 5'-TTTGTAGTGCCGTAGTGGTATGATAACAACGAAAGGATATATGTAAAGTTTGTAACACTC[G>A]CCTTGGCAATCAGTAAGTGCTCAATCACTCTTCATTTCCTCCCTTGCCTGCCAACCCTTT-3'

ClinVar aggregate classification (germline): Uncertain significance. Review status: criteria provided, multiple submitters, no conflicts (2 of 4 stars). 2 submissions from 2 submitters: Uncertain significance (2). Last evaluated 2025-09-17.

Conditions:
Alkaptonuria (AKU). Also called: HOMOGENTISIC ACID OXIDASE DEFICIENCY; Alcaptonuria; Homogentisic acidura; Alkaptonuric ochronosis. Identifiers: Orphanet 56, MedGen C0002066, MONDO:0008753, OMIM 203500.

gnomAD v4.1: 11 of 1,585,076 alleles (0.00069%); highest among the groups gnomAD compares: East Asian, 0.011%; no homozygotes.

Submissions (2):

Instituto de Genetica Humana PUJ, Pontificia Universidad Javeriana
Classification: Uncertain significance for Alkaptonuria. Last evaluated: 2025-09-17. Review status: criteria provided, single submitter. Criteria: ACMG Guidelines, 2015. Collection method: clinical testing. Allele origin: germline. Inheritance: Autosomal recessive inheritance. Affected: yes. Observed: 2 compound heterozygotes. Clinical features observed: Dark urine (HP:0040319), Bone pain, Ochronosis disorder (HP:0030764), Joint Pain, Pulmonary granulomas, Calcifications.
Comment: This variant was identified in two unrelated Colombian patients with clinical and biochemical findings consistent with alkaptonuria. To our knowledge, this variant has not been previously reported in the literature. The current evidence is insufficient to determine pathogenicity; therefore, the variant has been classified as of uncertain significance.

Department Of Human Genetics, Institute Of Clinical And Translational Research, Biomedical Research Center, Slovak Academy Of Sciences
Classification: Uncertain significance for Alkaptonuria. Review status: criteria provided, single submitter. Criteria: ACMG Guidelines, 2015. Collection method: research. Allele origin: germline. Inheritance: Autosomal recessive inheritance. Affected: yes.
Comment: The variant c.774+69C>T was found in heterozygous state in two AKU patient from Colombia and reported in PMID: 41963999. In silico splicing analysis using Alamut Visual Plus predicted that this variant creates a cryptic donor splice site within intron 10. Multiple algorithms (SSF, MaxEnt, NNSplice, GeneSplicer) support splice site activation, and SPiP analysis estimated a 69.3% risk of splicing alteration, supporting a potential impact on pre-mRNA processing.It has been submitted to the HGD gene mutation database (DB-ID: AKU_00216).

Literature cited by the submitters: DOI 10.1038/s41431-019-0354-0 (cited by Instituto de Genetica Humana PUJ, Pontificia Universidad Javeriana); PubMed 41963999 (cited by Department Of Human Genetics, Institute Of Clinical And Translational Research, Biomedical Research Center, Slovak Academy Of Sciences).